The following is an entry in ClinVar:

NM_000268.4(NF2):c.974C>T (p.Ala325Val)

Gene: NF2 (NF2, moesin-ezrin-radixin like (MERLIN) tumor suppressor; plus strand). Cytogenetic location: 22q12.2.
Variant type: single nucleotide variant.
Coding change: c.974C>T on transcript NM_000268.4 (MANE Select); coding-DNA position 974, C replaced by T.
Protein change: p.Ala325Val; replaces alanine 325 with valine.
Molecular consequence: missense variant. On other transcripts: non-coding transcript variant (1), intron variant (1).
Genome position (GRCh38, 1-based): chr22:29,668,421, C>T. VCF-style: chr22-29668421-C-T. GRCh37 (hg19) VCF-style: chr22-30064410-C-T.
Other names: c.974C>T, p.Ala325Val (NM_016418.5, NM_181825.3, NM_181832.3); c.848C>T, p.Ala283Val (NM_181828.3); c.851C>T, p.Ala284Val (NM_181829.3); c.725C>T, p.Ala242Val (NM_181830.3, NM_181831.3); c.447+26136C>T (NM_181833.3); short protein forms A284V, A242V, A325V, A283V.
Identifiers: ClinVar variation 939709 (VCV000939709.11), dbSNP rs2066689643, ClinGen allele CA411146045.

ClinVar aggregate classification (germline): Uncertain significance. Review status: criteria provided, multiple submitters, no conflicts (2 of 4 stars). 2 submissions from 2 submitters: Uncertain significance (2). Last evaluated 2025-02-14.

Conditions:
Neurofibromatosis, type 2 (SWNV). Also called: BILATERAL ACOUSTIC NEUROFIBROMATOSIS; SCHWANNOMATOSIS, VESTIBULAR; NF2-Related Schwannomatosis. Identifiers: Orphanet 637, MedGen C0027832, MONDO:0007039, OMIM 101000. Disease mechanism: loss of function.
Hereditary cancer-predisposing syndrome. Also called: Neoplastic Syndromes, Hereditary; Tumor predisposition; Hereditary Cancer Syndrome; Hereditary neoplastic syndrome. Identifiers: Orphanet 140162, MedGen C0027672, MeSH D009386, MONDO:0015356.

Submissions (2):

Ambry Genetics
Classification: Uncertain significance for Hereditary cancer-predisposing syndrome. Last evaluated: 2025-02-14. Review status: criteria provided, single submitter. Criteria: Ambry Variant Classification Scheme 2023. Collection method: clinical testing. Allele origin: germline.
Comment: The p.A325V variant (also known as c.974C>T), located in coding exon 10 of the NF2 gene, results from a C to T substitution at nucleotide position 974. The alanine at codon 325 is replaced by valine, an amino acid with similar properties. This amino acid position is conserved. In addition, this alteration is predicted to be deleterious by in silico analysis. Based on the available evidence, the clinical significance of this variant remains unclear.

Labcorp Genetics (formerly Invitae), Labcorp
Classification: Uncertain significance for Neurofibromatosis, type 2. Last evaluated: 2019-08-20. Review status: criteria provided, single submitter. Criteria: Invitae Variant Classification Sherloc (09022015). Collection method: clinical testing. Allele origin: germline.
Comment: This sequence change replaces alanine with valine at codon 325 of the NF2 protein (p.Ala325Val). The alanine residue is highly conserved and there is a small physicochemical difference between alanine and valine. This variant is not present in population databases (ExAC no frequency). In summary, the available evidence is currently insufficient to determine the role of this variant in disease. Therefore, it has been classified as a Variant of Uncertain Significance. Algorithms developed to predict the effect of sequence changes on RNA splicing suggest that this variant may create or strengthen a splice site, but this prediction has not been confirmed by published transcriptional studies. Algorithms developed to predict the effect of missense changes on protein structure and function are either unavailable or do not agree on the potential impact of this missense change (SIFT: "Deleterious"; PolyPhen-2: "Benign"; Align-GVGD: "Class C55"). This variant has not been reported in the literature in individuals with NF2-related conditions.